The following is an entry in ClinVar:

NM_001009944.3(PKD1):c.6469del (p.Leu2157fs)

Gene: PKD1 (polycystin 1, transient receptor potential channel interacting; minus strand). Cytogenetic location: 16p13.3.
Variant type: Deletion.
Coding change: c.6469del on transcript NM_001009944.3 (MANE Select); coding-DNA position 6469, one base deleted (C; older notation c.6469delC).
Protein change: p.Leu2157fs; shifts the reading frame from leucine 2157.
Molecular consequence: frameshift variant.
Genome position (GRCh38, 1-based): chr16:2,108,698, G deleted on the plus strand (C on the coding strand, the reverse complement: PKD1 is on the minus strand); the first of 4 consecutive G bases (chr16:2,108,698-2,108,701); deleting any one gives the same sequence. VCF-style (leftmost placement, unchanged base first): chr16-2108697-AG-A. GRCh37 (hg19) VCF-style: chr16-2158698-AG-A.
Other names: c.6469del, p.Leu2157fs (NM_000296.4); short protein forms L2157fs.
Identifiers: ClinVar variation 3335871 (VCV003335871.2).

ClinVar aggregate classification (germline): Pathogenic (1 of 4 stars; one submission).

Conditions:
Polycystic kidney disease, adult type (PKD1). Also called: Polycystic Kidney, Autosomal Dominant; POLYCYSTIC KIDNEY DISEASE 1 WITH OR WITHOUT POLYCYSTIC LIVER DISEASE; POLYCYSTIC KIDNEY DISEASE, ADULT, TYPE I; Polycystic Kidney Disease 1, Autosomal Dominant; Polycystic kidney disease 1; Polycystic kidney disease 1, severe. Identifiers: MedGen C3149841, MONDO:0008263, OMIM 173900.

Submission:

Juno Genomics, Hangzhou Juno Genomics, Inc
Classification: Pathogenic for Polycystic kidney disease, adult type. Review status: criteria provided, single submitter. Criteria: ACMG Guidelines, 2015. Collection method: clinical testing. Allele origin: germline. Affected: yes.
Comment: Null variant in a gene where loss of function (LOF) is a known mechanism of disease.;Absent from controls (or at extremely low frequency if recessive) in Genome Aggregation Database, Exome Sequencing Project, 1000 Genomes Project, or Exome Aggregation Consortium.;Patient's phenotype or family history is highly specific for a disease with a single genetic etiology.